The following is an entry in ClinVar:

NM_001330723.2(SNX27):c.160G>A (p.Gly54Ser)

Genes: SNX27 (sorting nexin 27; plus strand), LOC129931442 (ATAC-STARR-seq lymphoblastoid silent region 1324; plus strand). Cytogenetic location: 1q21.3.
Variant type: single nucleotide variant.
Coding change: c.160G>A on transcript NM_001330723.2 (MANE Select); coding-DNA position 160, G replaced by A.
Protein change: p.Gly54Ser; replaces glycine 54 with serine.
Molecular consequence: missense variant.
Genome position (GRCh38, 1-based): chr1:151,612,361, G>A. VCF-style: chr1-151612361-G-A. GRCh37 (hg19) VCF-style: chr1-151584837-G-A.
Other names: c.160G>A, p.Gly54Ser (NM_030918.6); short protein forms G54S.
Identifiers: ClinVar variation 1035029 (VCV001035029.9), dbSNP rs1667215975, ClinGen allele CA341974005.
Genomic context (GRCh38, chr1:151,612,361, plus strand): 5'-GGCGGCGGGGGAGGCGGCGGCCCGCGGGTCGTGCGCATCGTCAAGTCCGAGTCCGGCTAC[G>A]GCTTCAACGTGCGGGGCCAAGTGAGCGAGGGCGGGCAACTGCGGAGCATCAACGGGGAGC-3'
Protein context (NP_001317652.1, residues 44-64): VRIVKSESGY[Gly54Ser]FNVRGQVSEG

ClinVar aggregate classification (germline): Uncertain significance (1 of 4 stars; one submission).

Conditions:
Severe myoclonic epilepsy in infancy (DRVT). Also called: Epileptic encephalopathy, early infantile, 6 (Dravet syndrome); Dravet syndrome; SEVERE MYOCLONIC EPILEPSY OF INFANCY; DEVELOPMENTAL AND EPILEPTIC ENCEPHALOPATHY 6A; Severe Myoclonic Epilepsy in Infancy (SMEI). Identifiers: Orphanet 33069, MedGen C0751122, MONDO:0100135, OMIM 607208.

gnomAD v4.1: 2 of 1,549,582 alleles (0.00013%); highest among the groups gnomAD compares: Admixed American, 0.002%; no homozygotes.

Submission:

Labcorp Genetics (formerly Invitae), Labcorp
Classification: Uncertain significance for Severe myoclonic epilepsy in infancy. Last evaluated: 2025-07-14. Review status: criteria provided, single submitter. Criteria: Invitae Variant Classification Sherloc (09022015). Collection method: clinical testing. Allele origin: germline.
Comment: This sequence change replaces glycine, which is neutral and non-polar, with serine, which is neutral and polar, at codon 54 of the SNX27 protein (p.Gly54Ser). This variant is not present in population databases (gnomAD no frequency). This variant has not been reported in the literature in individuals affected with SNX27-related conditions. ClinVar contains an entry for this variant (Variation ID: 1035029). An algorithm developed to predict the effect of missense changes on protein structure and function (PolyPhen-2) suggests that this variant is likely to be disruptive. In summary, the available evidence is currently insufficient to determine the role of this variant in disease. Therefore, it has been classified as a Variant of Uncertain Significance.